The following is an entry in ClinVar:

NM_020232.5(PSMG2):c.767G>C (p.Gly256Ala)

Gene: PSMG2 (proteasome assembly chaperone 2; plus strand). Cytogenetic location: 18p11.21.
Variant type: single nucleotide variant.
Coding change: c.767G>C on transcript NM_020232.5 (MANE Select); coding-DNA position 767, G replaced by C.
Protein change: p.Gly256Ala; replaces glycine 256 with alanine.
Molecular consequence: missense variant.
Genome position (GRCh38, 1-based): chr18:12,725,503, G>C. VCF-style: chr18-12725503-G-C. GRCh37 (hg19) VCF-style: chr18-12725502-G-C.
Other names: c.674G>C, p.Gly225Ala (NM_147163.2); short protein forms G256A, G225A.
Identifiers: ClinVar variation 2071838 (VCV002071838.4), dbSNP rs2510999518, ClinGen allele CA401971383.

ClinVar aggregate classification (germline): Uncertain significance (1 of 4 stars; one submission).

Submission:

Labcorp Genetics (formerly Invitae), Labcorp
Classification: Uncertain significance. Last evaluated: 2022-01-03. Review status: criteria provided, single submitter. Criteria: Invitae Variant Classification Sherloc (09022015). Collection method: clinical testing. Allele origin: germline.
Comment: In summary, the available evidence is currently insufficient to determine the role of this variant in disease. Therefore, it has been classified as a Variant of Uncertain Significance. Algorithms developed to predict the effect of missense changes on protein structure and function are either unavailable or do not agree on the potential impact of this missense change (SIFT: "Deleterious"; PolyPhen-2: "Probably Damaging"; Align-GVGD: "Class C0"). This variant has not been reported in the literature in individuals affected with PSMG2-related conditions. This variant is not present in population databases (gnomAD no frequency). This sequence change replaces glycine, which is neutral and non-polar, with alanine, which is neutral and non-polar, at codon 256 of the PSMG2 protein (p.Gly256Ala).